The following is an entry in ClinVar:

ClinVar aggregate classification (germline): Uncertain significance (1 of 4 stars; one submission).

Submission:

CeGaT Center for Human Genetics Tuebingen
Classification: Uncertain significance. Last evaluated: 2026-02-01. Review status: criteria provided, single submitter. Criteria: CeGaT Center For Human Genetics Tuebingen Variant Classification Criteria Version 2. Collection method: clinical testing. Allele origin: germline. Affected: yes. Observed: 1 variant allele.
Comment: TRIM71: PM2

NM_001039111.3(TRIM71):c.1408C>G (p.Leu470Val)

Gene: TRIM71 (tripartite motif containing 71; plus strand). Cytogenetic location: 3p22.3.
Variant type: single nucleotide variant.
Coding change: c.1408C>G on transcript NM_001039111.3 (MANE Select); coding-DNA position 1408, C replaced by G.
Protein change: p.Leu470Val; replaces leucine 470 with valine.
Molecular consequence: missense variant.
Genome position (GRCh38, 1-based): chr3:32,890,612, C>G. VCF-style: chr3-32890612-C-G. GRCh37 (hg19) VCF-style: chr3-32932104-C-G.
Other names: short protein forms L470V.
Identifiers: ClinVar variation 4823310 (VCV004823310.4).